The following is an entry in ClinVar:

ClinVar aggregate classification (germline): Uncertain significance. Review status: reviewed by expert panel (3 of 4 stars). 7 submissions from 7 submitters: Uncertain significance (1). 6 of the submissions do not count toward it. Last evaluated 2025-12-16.

Conditions:
Myocardial infarction, susceptibility to. Identifiers: MedGen C1832662, MONDO:0012039, OMIM 608446.
Glanzmann thrombasthenia 2. Also called: BLEEDING DISORDER, PLATELET-TYPE, 23. Identifiers: MedGen C5543273, MONDO:0031009, OMIM 619267.
Bleeding disorder, platelet-type, 24. Also called: GLANZMANN THROMBASTHENIA-LIKE WITH MACROTHROMBOCYTOPENIA 2. Identifiers: MedGen C5543280, MONDO:0030996, OMIM 619271.
Glanzmann thrombasthenia. Also called: THROMBASTHENIA OF GLANZMANN AND NAEGELI; Thrombasthenia; PLATELET GLYCOPROTEIN IIb-IIIa DEFICIENCY; Glanzmann's thrombasthenia. Identifiers: Orphanet 849, MedGen C0040015, MONDO:0100326.

Allele frequency attached by ClinVar (database versions not stated): TOPMed 0.00003; gnomAD 0.00005 and 0.00006.
gnomAD v4.1: 21 of 1,614,048 alleles (0.0013%); highest among the groups gnomAD compares: Admixed American, 0.01%; no homozygotes.

Submissions (7):

ClinGen Platelet Disorders Variant Curation Expert Panel, ClinGen
Classification: Uncertain significance for Glanzmann thrombasthenia. Last evaluated: 2025-12-16. Review status: reviewed by expert panel. Criteria: ClinGen Platelet ACMG Specifications v2-1. Collection method: curation. Allele origin: germline. Inheritance: Autosomal recessive inheritance.
Comment: The variant NM_000212.3:c.1459C>T is a missense variant causing a substitution of arginine for cysteine at amino acid position 487. The highest population minor allele frequency in gnomAD v4.1 is 0.000100 (6/59996 alleles) in the Admixed American genetic ancestry group. This intermediate allele frequency is lower than the ClinGen PD VCEP threshold (>0.00158) for BS1 but higher than the threshold (<0.0001) for PM2_Supporting. Additionally, the computational predictor REVEL gives a score of 0.44, which is above the ClinGen PD VCEP threshold of <0.25 for BP4, but below the ClinGen PD VCEP PP3 threshold of >0.7. The variant was identified in a predispositional screen of a healthy population by Illumina, and has not been associated with any individuals with Glanzmann thrombasthenia thus far in the scientific literature. In summary, this variant meets the criteria to be classified as Uncertain significance - insufficient evidence for autosomal recessive Glanzmann Thrombasthenia based on ACMG/AMP criteria applied, as specified by the ClinGen PD VCEP.

Blueprint Genetics
Classification: Uncertain significance. Last evaluated: 2024-10-03. Review status: criteria provided, single submitter. Criteria: ACMG Guidelines, 2015. Collection method: clinical testing. Allele origin: germline. Not counted in ClinVar's aggregate classification.

Revvity Omics, Revvity
Classification: Uncertain significance. Last evaluated: 2023-08-08. Review status: criteria provided, single submitter. Criteria: ACMG Guidelines, 2015. Collection method: clinical testing. Allele origin: germline. Not counted in ClinVar's aggregate classification.

Labcorp Genetics (formerly Invitae), Labcorp
Classification: Uncertain significance. Last evaluated: 2022-10-03. Review status: criteria provided, single submitter. Criteria: Invitae Variant Classification Sherloc (09022015). Collection method: clinical testing. Allele origin: germline. Not counted in ClinVar's aggregate classification.
Comment: This sequence change replaces arginine, which is basic and polar, with cysteine, which is neutral and slightly polar, at codon 487 of the ITGB3 protein (p.Arg487Cys). This variant is present in population databases (rs369140365, gnomAD 0.01%). This variant has not been reported in the literature in individuals affected with ITGB3-related conditions. ClinVar contains an entry for this variant (Variation ID: 890713). Advanced modeling of protein sequence and biophysical properties (such as structural, functional, and spatial information, amino acid conservation, physicochemical variation, residue mobility, and thermodynamic stability) performed at Invitae indicates that this missense variant is not expected to disrupt ITGB3 protein function. In summary, the available evidence is currently insufficient to determine the role of this variant in disease. Therefore, it has been classified as a Variant of Uncertain Significance.

Baylor Genetics
Classification: Uncertain significance for Bleeding disorder, platelet-type, 24. Last evaluated: 2022-08-18. Review status: criteria provided, single submitter. Criteria: ACMG Guidelines, 2015. Collection method: clinical testing. Allele origin: unknown. Not counted in ClinVar's aggregate classification.

Fulgent Genetics
Classification: Uncertain significance for Myocardial infarction, susceptibility to; Glanzmann thrombasthenia 2; Bleeding disorder, platelet-type, 24. Last evaluated: 2021-07-10. Review status: criteria provided, single submitter. Criteria: ACMG Guidelines, 2015. Collection method: clinical testing. Allele origin: unknown. Not counted in ClinVar's aggregate classification.

Illumina Laboratory Services, Illumina
Classification: Uncertain significance for Glanzmann thrombasthenia 1. Last evaluated: 2017-04-28. Review status: criteria provided, single submitter. Criteria: ICSL Variant Classification Criteria 13 December 2019. Collection method: clinical testing. Allele origin: germline. Not counted in ClinVar's aggregate classification.

NM_000212.3(ITGB3):c.1459C>T (p.Arg487Cys)

Gene: ITGB3 (integrin subunit beta 3; plus strand). Cytogenetic location: 17q21.32.
Variant type: single nucleotide variant.
Coding change: c.1459C>T on transcript NM_000212.3 (MANE Select); coding-DNA position 1459, C replaced by T.
Protein change: p.Arg487Cys; replaces arginine 487 with cysteine.
Molecular consequence: missense variant.
Genome position (GRCh38, 1-based): chr17:47,292,337, C>T. VCF-style: chr17-47292337-C-T. GRCh37 (hg19) VCF-style: chr17-45369703-C-T.
Other names: NM_000212.3(ITGB3):c.1459C>T; p.Arg487Cys; short protein forms R487C.
Identifiers: ClinVar variation 890713 (VCV000890713.13), dbSNP rs369140365, ClinGen allele CA8623267.